The following is an entry in ClinVar:

ClinVar aggregate classification (germline): Likely benign. Review status: criteria provided, multiple submitters, no conflicts (2 of 4 stars). 3 submissions from 3 submitters: Likely benign (2). 1 of the submissions does not count toward it. Last evaluated 2025-04-09.

Conditions:
FHOD3-related disorder. Also called: FHOD3-related condition.

Allele frequency attached by ClinVar (database versions not stated): gnomAD exomes 0.00007; ExAC 0.00032; gnomAD 0.00072; TOPMed 0.00088; 1000 Genomes Project 0.00120; 1000 Genomes Project 30x 0.00156.
gnomAD v4.1: 212 of 1,535,922 alleles (0.014%); highest among the groups gnomAD compares: African/African-American, 0.25%; no homozygotes.

Submissions (3):

Molecular Diagnostic Laboratory for Inherited Cardiovascular Disease, Montreal Heart Institute
Classification: Likely benign. Last evaluated: 2025-04-09. Review status: criteria provided, single submitter. Criteria: ACMG Guidelines, 2015. Collection method: clinical testing. Allele origin: germline. Affected: no.
Comment: BS1, BP4, BP5

Blueprint Genetics
Classification: Likely benign. Last evaluated: 2024-11-13. Review status: criteria provided, single submitter. Criteria: ACMG Guidelines, 2015. Collection method: clinical testing. Allele origin: germline.

PreventionGenetics, part of Exact Sciences
Classification: Likely benign for FHOD3-related condition. Last evaluated: 2023-02-16. Review status: no assertion criteria provided. Collection method: clinical testing. Allele origin: germline. Not counted in ClinVar's aggregate classification.
Comment: This variant is classified as likely benign based on ACMG/AMP sequence variant interpretation guidelines (Richards et al. 2015 PMID: 25741868, with internal and published modifications).

NM_001281740.3(FHOD3):c.1489C>T (p.Arg497Trp)

Gene: FHOD3 (formin homology 2 domain containing 3; plus strand). Cytogenetic location: 18q12.2.
Variant type: single nucleotide variant.
Coding change: c.1489C>T on transcript NM_001281740.3 (MANE Select); coding-DNA position 1489, C replaced by T.
Protein change: p.Arg497Trp; replaces arginine 497 with tryptophan.
Molecular consequence: missense variant. On other transcripts: intron variant (2).
Genome position (GRCh38, 1-based): chr18:36,652,772, C>T. VCF-style: chr18-36652772-C-T. GRCh37 (hg19) VCF-style: chr18-34232735-C-T.
Other names: c.1197-5303C>T (NM_025135.5, NM_001281739.3); short protein forms R497W.
Identifiers: ClinVar variation 3048680 (VCV003048680.4), dbSNP rs191109699, ClinGen allele CA8941609.